The following is an entry in ClinVar:

ClinVar aggregate classification (germline): Likely benign (1 of 4 stars; one submission).

Submission:

GeneDx
Classification: Likely benign. Last evaluated: 2017-05-31. Review status: criteria provided, single submitter. Criteria: GeneDx Variant Classification (06012015). Collection method: clinical testing. Allele origin: germline. Affected: yes.
Comment: This variant is considered likely benign or benign based on one or more of the following criteria: it is a conservative change, it occurs at a poorly conserved position in the protein, it is predicted to be benign by multiple in silico algorithms, and/or has population frequency not consistent with disease.

NM_182916.3(TRNT1):c.-23G>A

Gene: TRNT1 (tRNA nucleotidyl transferase 1; plus strand). Cytogenetic location: 3p26.2.
Variant type: single nucleotide variant.
Coding change: c.-23G>A on transcript NM_182916.3 (MANE Select); 23 bases upstream of the start codon, G replaced by A.
Molecular consequence: 5 prime UTR variant. On other transcripts: non-coding transcript variant (11).
Genome position (GRCh38, 1-based): chr3:3,129,018, G>A. VCF-style: chr3-3129018-G-A. GRCh37 (hg19) VCF-style: chr3-3170702-G-A.
Other names: c.-23G>A (NM_001302946.2, NM_001367321.1, NM_001367322.1 and 1 more transcripts).
Identifiers: ClinVar variation 509315 (VCV000509315.1), dbSNP rs112624983, ClinGen allele CA68723044.